The following is an entry in ClinVar:

NM_198253.3(TERT):c.331C>A (p.Pro111Thr)

Gene: TERT (telomerase reverse transcriptase; minus strand). Cytogenetic location: 5p15.33.
Variant type: single nucleotide variant.
Coding change: c.331C>A on transcript NM_198253.3 (MANE Select); coding-DNA position 331, C replaced by A.
Protein change: p.Pro111Thr; replaces proline 111 with threonine.
Molecular consequence: missense variant. On other transcripts: non-coding transcript variant (2).
Genome position (GRCh38, 1-based): chr5:1,294,555, G>T on the plus strand (C>A on the coding strand, the complement: TERT is on the minus strand). VCF-style: chr5-1294555-G-T. GRCh37 (hg19) VCF-style: chr5-1294670-G-T.
Other names: c.331C>A, p.Pro111Thr (NM_001193376.3); short protein forms P111T.
Identifiers: ClinVar variation 4787835 (VCV004787835.1).
Genomic context (GRCh38, chr5:1,294,555, plus strand): 5'-GTGCGTCGGTCACCGTGTTGGGCAGGTAGCTGCGCACGCTGGTGGTGAAGGCCTCGGGGG[G>T]GCCCCCGCGGGCCCCGTCCAGCAGCGCGAAGCCGAAGGCCAGCACGTTCTTCGCGCCGCG-3'
Protein context (NP_937983.2, residues 101-121): FALLDGARGG[Pro111Thr]PEAFTTSVRS

ClinVar aggregate classification (germline): Uncertain significance (1 of 4 stars; one submission).

Conditions:
Dyskeratosis congenita, autosomal dominant 2. Identifiers: MedGen C3151443, MONDO:0013521, OMIM 613989.
Idiopathic Pulmonary Fibrosis. Also called: Idiopathic fibrosing alveolitis, chronic form; idiopathic fibrosing alveolitis. Identifiers: Orphanet 2032, MedGen C1800706, MeSH D054990, MONDO:0800504.

Submission:

Labcorp Genetics (formerly Invitae), Labcorp
Classification: Uncertain significance for Dyskeratosis congenita, autosomal dominant 2; Idiopathic Pulmonary Fibrosis. Last evaluated: 2026-01-06. Review status: criteria provided, single submitter. Criteria: Invitae Variant Classification Sherloc (09022015). Collection method: clinical testing. Allele origin: germline.
Comment: This sequence change replaces proline, which is neutral and non-polar, with threonine, which is neutral and polar, at codon 111 of the TERT protein (p.Pro111Thr). This variant is not present in population databases (gnomAD no frequency). This variant has not been reported in the literature in individuals affected with TERT-related conditions. Invitae Evidence Modeling of protein sequence and biophysical properties (such as structural, functional, and spatial information, amino acid conservation, physicochemical variation, residue mobility, and thermodynamic stability) indicates that this missense variant is expected to disrupt TERT protein function with a positive predictive value of 95%. In summary, the available evidence is currently insufficient to determine the role of this variant in disease. Therefore, it has been classified as a Variant of Uncertain Significance.